The following is an entry in ClinVar:

ClinVar aggregate classification (somatic clinical impact): Tier I - Strong (1 of 4 stars; one submission).

Conditions:
Germinoma. Also called: Germinoma (disease). Identifiers: MedGen C0206660, MONDO:0002598, HP:0100620.

Submission:

Institute for Genomic Medicine (IGM) Clinical Laboratory, Nationwide Children's Hospital
Classification: Tier I - Strong for Germinoma. Assertion type: diagnostic. Clinical significance: supports diagnosis. Last evaluated: 2024-08-01. Review status: criteria provided, single submitter. Criteria: AMP/ASCO/CAP Guidelines, 2017. Collection method: clinical testing. Allele origin: somatic. Affected: yes.
Comment: Variant has Tier I (strong) clinical significance as a diagnostic inclusion criterion in germinoma, based on the following evidence: 1) Diagnostic for a specific tumor type/classification based on well-powered studies with expert-level consensus (Evidence Level B; PMIDs: 24452629, 24896186, 27391150).

Literature cited by the submitters: PubMed 24452629; PubMed 24896186; PubMed 27391150.

NM_000222.3(KIT):c.1657T>C (p.Tyr553His)

Gene: KIT (KIT proto-oncogene, receptor tyrosine kinase; plus strand). Cytogenetic location: 4q12.
Variant type: single nucleotide variant.
Coding change: c.1657T>C on transcript NM_000222.3 (MANE Select); coding-DNA position 1657, T replaced by C.
Protein change: p.Tyr553His; replaces tyrosine 553 with histidine.
Molecular consequence: missense variant.
Genome position (GRCh38, 1-based): chr4:54,727,425, T>C. VCF-style: chr4-54727425-T-C. GRCh37 (hg19) VCF-style: chr4-55593591-T-C.
Other names: c.1660T>C, p.Tyr554His (NM_001385284.1, NM_001385290.1); c.1657T>C, p.Tyr553His (NM_001385285.1); c.1645T>C, p.Tyr549His (NM_001385286.1, NM_001093772.2); c.1648T>C, p.Tyr550His (NM_001385288.1, NM_001385292.1); short protein forms Y549H, Y550H, Y553H, Y554H.
Identifiers: ClinVar variation 4530491 (VCV004530491.1).